The following is an entry in ClinVar:

NM_001903.5(CTNNA1):c.586C>A (p.Gln196Lys)

Gene: CTNNA1 (catenin alpha 1; plus strand). Cytogenetic location: 5q31.2.
Variant type: single nucleotide variant.
Coding change: c.586C>A on transcript NM_001903.5 (MANE Select); coding-DNA position 586, C replaced by A.
Protein change: p.Gln196Lys; replaces glutamine 196 with lysine.
Molecular consequence: missense variant.
Genome position (GRCh38, 1-based): chr5:138,812,300, C>A. VCF-style: chr5-138812300-C-A. GRCh37 (hg19) VCF-style: chr5-138147989-C-A.
Other names: c.586C>A, p.Gln196Lys (NM_001290307.3, NM_001323982.2, NM_001323983.1 and 3 more transcripts); c.277C>A, p.Gln93Lys (NM_001290309.3); c.217C>A, p.Gln73Lys (NM_001290310.3); short protein forms Q73K, Q196K, Q93K.
Identifiers: ClinVar variation 3722752 (VCV003722752.2).

ClinVar aggregate classification (germline): Uncertain significance (1 of 4 stars; one submission).

Submission:

Labcorp Genetics (formerly Invitae), Labcorp
Classification: Uncertain significance. Last evaluated: 2024-10-12. Review status: criteria provided, single submitter. Criteria: Invitae Variant Classification Sherloc (09022015). Collection method: clinical testing. Allele origin: germline.
Comment: This sequence change replaces glutamine, which is neutral and polar, with lysine, which is basic and polar, at codon 196 of the CTNNA1 protein (p.Gln196Lys). This variant is not present in population databases (gnomAD no frequency). This variant has not been reported in the literature in individuals affected with CTNNA1-related conditions. An algorithm developed to predict the effect of missense changes on protein structure and function (PolyPhen-2) suggests that this variant is likely to be tolerated. In summary, the available evidence is currently insufficient to determine the role of this variant in disease. Therefore, it has been classified as a Variant of Uncertain Significance.